The following is an entry in ClinVar:

ClinVar aggregate classification (germline): Uncertain significance. Review status: criteria provided, multiple submitters, no conflicts (2 of 4 stars). 2 submissions from 2 submitters: Uncertain significance (2). Last evaluated 2024-05-13.

Conditions:
Hereditary cancer-predisposing syndrome. Also called: Neoplastic Syndromes, Hereditary; Tumor predisposition; Hereditary neoplastic syndrome; Hereditary Cancer Syndrome. Identifiers: Orphanet 140162, MedGen C0027672, MeSH D009386, MONDO:0015356.
Cardiovascular phenotype. Identifiers: MedGen CN230736.

Allele frequency attached by ClinVar (database versions not stated): TOPMed below 0.00001; gnomAD 0.00001.
gnomAD v4.1: 1 of 1,612,072 alleles (0.000062%); highest among the groups gnomAD compares: Non-Finnish European, 0.000085%; no homozygotes.

Submissions (2):

Labcorp Genetics (formerly Invitae), Labcorp
Classification: Uncertain significance. Last evaluated: 2024-05-13. Review status: criteria provided, single submitter. Criteria: Invitae Variant Classification Sherloc (09022015). Collection method: clinical testing. Allele origin: germline.
Comment: This sequence change replaces cysteine, which is neutral and slightly polar, with phenylalanine, which is neutral and non-polar, at codon 455 of the LZTR1 protein (p.Cys455Phe). This variant is not present in population databases (gnomAD no frequency). This variant has not been reported in the literature in individuals affected with LZTR1-related conditions. ClinVar contains an entry for this variant (Variation ID: 2452674). Advanced modeling of protein sequence and biophysical properties (such as structural, functional, and spatial information, amino acid conservation, physicochemical variation, residue mobility, and thermodynamic stability) performed at Invitae indicates that this missense variant is not expected to disrupt LZTR1 protein function with a negative predictive value of 80%. In summary, the available evidence is currently insufficient to determine the role of this variant in disease. Therefore, it has been classified as a Variant of Uncertain Significance.

Ambry Genetics
Classification: Uncertain significance for Cardiovascular phenotype; Hereditary cancer-predisposing syndrome. Last evaluated: 2023-01-31. Review status: criteria provided, single submitter. Criteria: Ambry Variant Classification Scheme 2023. Collection method: clinical testing. Allele origin: germline.
Comment: The p.C455F variant (also known as c.1364G>T), located in coding exon 13 of the LZTR1 gene, results from a G to T substitution at nucleotide position 1364. The cysteine at codon 455 is replaced by phenylalanine, an amino acid with highly dissimilar properties. This amino acid position is conserved. In addition, this alteration is predicted to be tolerated by in silico analysis. Since supporting evidence is limited at this time, the clinical significance of this alteration remains unclear.

NM_006767.4(LZTR1):c.1364G>T (p.Cys455Phe)

Gene: LZTR1 (leucine zipper like post translational regulator 1; plus strand). Cytogenetic location: 22q11.21.
Variant type: single nucleotide variant.
Coding change: c.1364G>T on transcript NM_006767.4 (MANE Select); coding-DNA position 1364, G replaced by T.
Protein change: p.Cys455Phe; replaces cysteine 455 with phenylalanine.
Molecular consequence: missense variant.
Genome position (GRCh38, 1-based): chr22:20,993,934, G>T. VCF-style: chr22-20993934-G-T. GRCh37 (hg19) VCF-style: chr22-21348223-G-T.
Other names: short protein forms C455F.
Identifiers: ClinVar variation 2452674 (VCV002452674.4), dbSNP rs1459157248, ClinGen allele CA410775016.